The following is an entry in ClinVar:

ClinVar aggregate classification (germline): Conflicting classifications of pathogenicity. Review status: criteria provided, conflicting classifications (1 of 4 stars). 2 submissions from 2 submitters: Uncertain significance (1); Likely benign (1). Last evaluated 2024-03-05.

Allele frequency attached by ClinVar (database versions not stated): gnomAD 0.00006; TOPMed 0.00007; ESP Exome Variant Server 0.00008; gnomAD exomes 0.00008; ExAC 0.00009.
gnomAD v4.1: 128 of 1,571,288 alleles (0.0081%); highest among the groups gnomAD compares: Non-Finnish European, 0.0097%; no homozygotes.

Submissions (2):

Labcorp Genetics (formerly Invitae), Labcorp
Classification: Uncertain significance. Last evaluated: 2024-03-05. Review status: criteria provided, single submitter. Criteria: Invitae Variant Classification Sherloc (09022015). Collection method: clinical testing. Allele origin: germline.
Comment: This sequence change affects codon 582 of the RIMS1 mRNA. It is a 'silent' change, meaning that it does not change the encoded amino acid sequence of the RIMS1 protein. This variant also falls at the last nucleotide of exon 7, which is part of the consensus splice site for this exon. The frequency data for this variant in the population databases is considered unreliable, as metrics indicate poor data quality at this position in the gnomAD database. This variant has not been reported in the literature in individuals affected with RIMS1-related conditions. ClinVar contains an entry for this variant (Variation ID: 970646). Variants that disrupt the consensus splice site are a relatively common cause of aberrant splicing (PMID: 17576681, 9536098). Algorithms developed to predict the effect of sequence changes on RNA splicing suggest that this variant is not likely to affect RNA splicing. In summary, the available evidence is currently insufficient to determine the role of this variant in disease. Therefore, it has been classified as a Variant of Uncertain Significance.

Blueprint Genetics
Classification: Likely benign. Last evaluated: 2023-08-22. Review status: criteria provided, single submitter. Criteria: ACMG Guidelines, 2015. Collection method: clinical testing. Allele origin: germline.

Literature cited by the submitters: PubMed 17576681 (cited by Labcorp Genetics (formerly Invitae), Labcorp); PubMed 9536098 (cited by Labcorp Genetics (formerly Invitae), Labcorp).

NM_014989.7(RIMS1):c.1746G>A (p.Ser582=)

Gene: RIMS1 (regulating synaptic membrane exocytosis 1; plus strand). Cytogenetic location: 6q13.
Variant type: single nucleotide variant.
Coding change: c.1746G>A on transcript NM_014989.7 (MANE Select); coding-DNA position 1746, G replaced by A.
Protein change: p.Ser582=; no amino-acid change (serine 582 retained).
Molecular consequence: synonymous variant. On other transcripts: 5 prime UTR variant (9).
Genome position (GRCh38, 1-based): chr6:72,233,840, G>A. VCF-style: chr6-72233840-G-A. GRCh37 (hg19) VCF-style: chr6-72943543-G-A.
Other names: c.168G>A, p.Ser56= (NM_001168407.2, NM_001168408.2, NM_001350414.2 and 37 more transcripts); c.-76G>A (NM_001168409.2, NM_001350461.2, NM_001350463.2 and 6 more transcripts); c.123G>A, p.Ser41= (NM_001168410.2, NM_001350470.2, NM_001350472.2 and 2 more transcripts); c.99G>A, p.Ser33= (NM_001350421.2, NM_001350424.2, NM_001350428.2 and 6 more transcripts).
Identifiers: ClinVar variation 970646 (VCV000970646.9), dbSNP rs369457976, ClinGen allele CA3885793.